The following is an entry in ClinVar:

ClinVar aggregate classification (germline): Uncertain significance. Review status: criteria provided, multiple submitters, no conflicts (2 of 4 stars). 3 submissions from 3 submitters: Uncertain significance (3). Last evaluated 2024-07-01.

Conditions:
Cardiomyopathy (CMYO). Also called: Cardiomyopathies. Identifiers: Orphanet 167848, MedGen C0878544, MONDO:0004994, HP:0001638. Inheritance: Various modes of inheritance.
Catecholaminergic polymorphic ventricular tachycardia 1. Also called: VENTRICULAR TACHYCARDIA, STRESS-INDUCED POLYMORPHIC 1; VENTRICULAR TACHYCARDIA, CATECHOLAMINERGIC POLYMORPHIC, 1, WITH OR WITHOUT ATRIAL DYSFUNCTION AND/OR DILATED CARDIOMYOPATHY; RYR2-Related Catecholaminergic Polymorphic Ventricular Tachycardia. Identifiers: Orphanet 3286, MedGen C1631597, MONDO:0011484, OMIM 604772.

Submissions (3):

Labcorp Genetics (formerly Invitae), Labcorp
Classification: Uncertain significance for Catecholaminergic polymorphic ventricular tachycardia 1. Last evaluated: 2024-07-01. Review status: criteria provided, single submitter. Criteria: Invitae Variant Classification Sherloc (09022015). Collection method: clinical testing. Allele origin: germline.
Comment: This variant occurs in a non-coding region of the RYR2 gene. It does not change the encoded amino acid sequence of the RYR2 protein. This variant is present in population databases (rs777179393, gnomAD 0.009%). This variant has not been reported in the literature in individuals affected with RYR2-related conditions. ClinVar contains an entry for this variant (Variation ID: 1677594). Experimental studies and prediction algorithms are not available or were not evaluated, and the functional significance of this variant is currently unknown. In summary, the available evidence is currently insufficient to determine the role of this variant in disease. Therefore, it has been classified as a Variant of Uncertain Significance.

Color Diagnostics, LLC DBA Color Health
Classification: Uncertain significance for Cardiomyopathy. Last evaluated: 2023-10-19. Review status: criteria provided, single submitter. Criteria: ACMG Guidelines, 2015. Collection method: clinical testing. Allele origin: germline.
Comment: This variant results in the duplication of the last coding nucleotide and first noncoding nucleotide in the 3' untranslated region of the RYR2 gene. To our knowledge, this variant has not been reported in individuals affected with RYR2-related disorders in the literature. This variant has been identified in 3/246986 chromosomes in the general population by the Genome Aggregation Database (gnomAD). The available evidence is insufficient to determine the role of this variant in disease conclusively. Therefore, this variant is classified as a Variant of Uncertain Significance.

AiLife Diagnostics
Classification: Uncertain significance. Last evaluated: 2021-10-26. Review status: criteria provided, single submitter. Criteria: ACMG Guidelines, 2015. Collection method: clinical testing. Allele origin: germline. Affected: yes. Observed: 1 variant allele.

Literature cited by the submitters: PubMed 28404607 (cited by AiLife Diagnostics).

NM_001035.3(RYR2):c.14904_*1dup (p.Ter4968=)

Gene: RYR2 (ryanodine receptor 2; plus strand). Cytogenetic location: 1q43.
Variant type: Duplication.
Coding change: c.14904_*1dup on transcript NM_001035.3 (MANE Select); coding-DNA position 14904 through 1 bases downstream of the stop codon, 2 bases duplicated (AA; older notation c.14904_*1dupAA).
Protein change: p.Ter4968=.
Molecular consequence: no sequence alteration.
Genome position (GRCh38, 1-based): chr1:237,832,647-237,832,648, AA duplicated; duplicating any 2 consecutive bases within chr1:237,832,646-237,832,648 gives the same sequence; the c. name uses the placement nearest the transcript's 3' end. VCF-style (leftmost placement, unchanged base first): chr1-237832645-T-TAA. GRCh37 (hg19) VCF-style: chr1-237995945-T-TAA.
Identifiers: ClinVar variation 1677594 (VCV001677594.8), dbSNP rs777179393, ClinGen allele CA085790.